The following is an entry in ClinVar:

NM_000284.4(PDHA1):c.1162_*1del (p.Ser388fs)

Gene: PDHA1 (pyruvate dehydrogenase E1 subunit alpha 1; plus strand). Cytogenetic location: Xp22.12.
Variant type: Deletion.
Coding change: c.1162_*1del on transcript NM_000284.4 (MANE Select); coding-DNA position 1162 through 1 bases downstream of the stop codon, 13 bases deleted (TCAGTCAGTTAAG).
Protein change: p.Ser388fs; shifts the reading frame from serine 388.
Molecular consequence: frameshift variant.
Genome position (GRCh38, 1-based): chrX:19,359,642-19,359,654, TCAGTCAGTTAAG deleted; deleting any 13 consecutive bases within chrX:19,359,637-19,359,654 gives the same sequence; the c. name uses the placement nearest the transcript's 3' end. VCF-style (leftmost placement, unchanged base first): chrX-19359636-TTTAAGTCAGTCAG-T. GRCh37 (hg19) VCF-style: chrX-19377754-TTTAAGTCAGTCAG-T.
Other names: c.1276_*1del, p.Ser426fs (NM_001173454.2); c.1183_*1del, p.Ser395fs (NM_001173455.2); c.1069_*1del, p.Ser357fs (NM_001173456.2); short protein forms S357fs, S388fs, S395fs, S426fs.
Identifiers: ClinVar variation 1220221 (VCV001220221.3), dbSNP rs2147189414, ClinGen allele CA2499226556.
Genomic context (GRCh38, chrX:19,359,636, plus strand): 5'-TACCACATCTACTCCAGCGACCCACCTTTTGAAGTTCGTGGTGCCAATCAGTGGATCAAG[TTTAAGTCAGTCAG>T]TTAAGGGGAGGAGAAGGAGAGGTTATACCTTCAGGGGGCTACCAGACAGTGTTCTCAACT-3'

ClinVar aggregate classification (germline): Pathogenic (1 of 4 stars; one submission).

Submission:

GeneDx
Classification: Pathogenic. Last evaluated: 2020-03-03. Review status: criteria provided, single submitter. Criteria: GeneDx Variant Classification Process June 2021. Collection method: clinical testing. Allele origin: germline. Affected: yes.
Comment: Not observed in large population cohorts (Lek et al., 2016); Frameshift variant in the C-terminus predicted to result in the last 3 amino acids being lost and replaced with 31 incorrect amino acids; Has not been previously published as pathogenic or benign to our knowledge